The following is an entry in ClinVar:

NM_018136.5(ASPM):c.3860A>G (p.Lys1287Arg)

Gene: ASPM (assembly factor for spindle microtubules; minus strand). Cytogenetic location: 1q31.3.
Variant type: single nucleotide variant.
Coding change: c.3860A>G on transcript NM_018136.5 (MANE Select); coding-DNA position 3860, A replaced by G.
Protein change: p.Lys1287Arg; replaces lysine 1287 with arginine.
Molecular consequence: missense variant.
Genome position (GRCh38, 1-based): chr1:197,121,925, T>C on the plus strand (A>G on the coding strand, the complement: ASPM is on the minus strand). VCF-style: chr1-197121925-T-C. GRCh37 (hg19) VCF-style: chr1-197091055-T-C.
Other names: c.3860A>G, p.Lys1287Arg (NM_001206846.2); short protein forms K1287R.
Identifiers: ClinVar variation 1962929 (VCV001962929.5), dbSNP rs1571614344, ClinGen allele CA344037448.
Genomic context (GRCh38, chr1:197,121,925, plus strand): 5'-ACCTTCTAAAGTATAATTCACACTATAGTAGTTTCATATTCTAGGAGTACCTGATGGCGT[T>C]TGAGATCTGTTTTTAGTTTATATTTTCTCCATGTTGTTTGTATGAGTCGAGCAGCTCTTA-3'
Protein context (NP_060606.3, residues 1277-1297): WRKYKLKTDL[Lys1287Arg]RHQEREKAAR

ClinVar aggregate classification (germline): Uncertain significance (1 of 4 stars; one submission).

Allele frequency attached by ClinVar (database versions not stated): TOPMed below 0.00001; gnomAD 0.00001; gnomAD exomes 0.00001.
gnomAD v4.1: 17 of 1,609,238 alleles (0.0011%); highest among the groups gnomAD compares: Non-Finnish European, 0.0014%; no homozygotes.

Submission:

Labcorp Genetics (formerly Invitae), Labcorp
Classification: Uncertain significance. Last evaluated: 2022-08-19. Review status: criteria provided, single submitter. Criteria: Invitae Variant Classification Sherloc (09022015). Collection method: clinical testing. Allele origin: germline.
Comment: In summary, the available evidence is currently insufficient to determine the role of this variant in disease. Therefore, it has been classified as a Variant of Uncertain Significance. Algorithms developed to predict the effect of missense changes on protein structure and function output the following: SIFT: "Deleterious"; PolyPhen-2: "Possibly Damaging"; Align-GVGD: "Class C0". The arginine amino acid residue is found in multiple mammalian species, which suggests that this missense change does not adversely affect protein function. This variant has not been reported in the literature in individuals affected with ASPM-related conditions. This variant is not present in population databases (gnomAD no frequency). This sequence change replaces lysine, which is basic and polar, with arginine, which is basic and polar, at codon 1287 of the ASPM protein (p.Lys1287Arg).